The following is an entry in ClinVar:

ClinVar aggregate classification (germline): Uncertain significance. Review status: criteria provided, multiple submitters, no conflicts (2 of 4 stars). 2 submissions from 2 submitters: Uncertain significance (2). Last evaluated 2025-02-09.

Conditions:
Inborn genetic diseases. Identifiers: MedGen C0950123, MeSH D030342.
Mosaic variegated aneuploidy syndrome 2 (MVA2). Identifiers: Orphanet 1052, MedGen C3279843, MONDO:0013582, OMIM 614114.

Allele frequency attached by ClinVar (database versions not stated): ExAC 0.00002; gnomAD exomes 0.00002; TOPMed 0.00004; gnomAD 0.00007 and 0.00008; ESP Exome Variant Server 0.00015.
gnomAD v4.1: 20 of 1,612,348 alleles (0.0012%); highest among the groups gnomAD compares: African/African-American, 0.021%; no homozygotes.

Submissions (2):

Labcorp Genetics (formerly Invitae), Labcorp
Classification: Uncertain significance for Mosaic variegated aneuploidy syndrome 2. Last evaluated: 2025-02-09. Review status: criteria provided, single submitter. Criteria: Invitae Variant Classification Sherloc (09022015). Collection method: clinical testing. Allele origin: germline.
Comment: This sequence change replaces serine, which is neutral and polar, with arginine, which is basic and polar, at codon 375 of the CEP57 protein (p.Ser375Arg). The frequency data for this variant in the population databases is considered unreliable, as metrics indicate poor data quality at this position in the gnomAD database. This variant has not been reported in the literature in individuals affected with CEP57-related conditions. ClinVar contains an entry for this variant (Variation ID: 971528). Invitae Evidence Modeling of protein sequence and biophysical properties (such as structural, functional, and spatial information, amino acid conservation, physicochemical variation, residue mobility, and thermodynamic stability) has been performed for this missense variant. However, the output from this modeling did not meet the statistical confidence thresholds required to predict the impact of this variant on CEP57 protein function. In summary, the available evidence is currently insufficient to determine the role of this variant in disease. Therefore, it has been classified as a Variant of Uncertain Significance.

Ambry Genetics
Classification: Uncertain significance for Inborn genetic diseases. Last evaluated: 2023-03-01. Review status: criteria provided, single submitter. Criteria: Ambry Variant Classification Scheme 2023. Collection method: clinical testing. Allele origin: germline.

NM_014679.5(CEP57):c.1123A>C (p.Ser375Arg)

Gene: CEP57 (centrosomal protein 57; plus strand). Cytogenetic location: 11q21.
Variant type: single nucleotide variant.
Coding change: c.1123A>C on transcript NM_014679.5 (MANE Select); coding-DNA position 1123, A replaced by C.
Protein change: p.Ser375Arg; replaces serine 375 with arginine.
Molecular consequence: missense variant.
Genome position (GRCh38, 1-based): chr11:95,828,023, A>C. VCF-style: chr11-95828023-A-C. GRCh37 (hg19) VCF-style: chr11-95561187-A-C.
Other names: c.1096A>C, p.Ser366Arg (NM_001243776.2); c.1045A>C, p.Ser349Arg (NM_001243777.2); c.1042A>C, p.Ser348Arg (NM_001363604.2); short protein forms S349R, S366R, S348R, S375R.
Identifiers: ClinVar variation 971528 (VCV000971528.12), dbSNP rs145833953, ClinGen allele CA6239692.